The following is an entry in ClinVar:

NM_000090.4(COL3A1):c.2931+2_2931+6delinsCCCTCAGGGTGTCAAGGAAA

Gene: COL3A1 (collagen type III alpha 1 chain; plus strand). Cytogenetic location: 2q32.2.
Variant type: Indel.
Coding change: c.2931+2_2931+6delinsCCCTCAGGGTGTCAAGGAAA on transcript NM_000090.4 (MANE Select); the canonical splice donor site of the intron after coding-DNA position 2931 through 6 bases into the intron after coding-DNA position 2931, TGAGT replaced by CCCTCAGGGTGTCAAGGAAA.
Molecular consequence: splice donor variant.
Genome position (GRCh38, 1-based): chr2:189,004,366-189,004,370, TGAGT replaced by CCCTCAGGGTGTCAAGGAAA. VCF-style: chr2-189004366-TGAGT-CCCTCAGGGTGTCAAGGAAA. GRCh37 (hg19) VCF-style: chr2-189869092-TGAGT-CCCTCAGGGTGTCAAGGAAA.
Identifiers: ClinVar variation 4005349 (VCV004005349.1).

ClinVar aggregate classification (germline): Likely pathogenic (1 of 4 stars; one submission).

Conditions:
Familial thoracic aortic aneurysm and aortic dissection (TAAD). Also called: Thoracic aortic aneurysms and dissections. Identifiers: Orphanet 91387, MedGen C4707243, MONDO:0019625.

Submission:

Ambry Genetics
Classification: Likely pathogenic for Familial thoracic aortic aneurysm and aortic dissection. Last evaluated: 2025-04-11. Review status: criteria provided, single submitter. Criteria: Ambry Variant Classification Scheme 2023. Collection method: clinical testing. Allele origin: germline.
Comment: The c.2931+2_2931+6delTGAGTins20 variant results from a deletion of 5 nucleotides and insertion of 20 nucleotides (CCCTCAGGGTGTCAAGGAAA) at positions c.2931+2 to c.2931+6 and involves the canonical splice donor site after coding exon 40 of the COL3A1 gene. The canonical splice donor site is highly conserved in available vertebrate species. In silico splice site analysis predicts that this alteration will weaken the native splice donor site; however, the exact impact of this alteration on COL3A1 splicing and function is currently unknown. This variant is considered to be rare based on population cohorts in the Genome Aggregation Database (gnomAD). Alterations that disrupt the canonical splice site are expected to cause aberrant splicing, resulting in an abnormal protein or a transcript that is subject to nonsense-mediated mRNA decay. As such, this alteration is classified as likely pathogenic.